The following is an entry in ClinVar:

ClinVar aggregate classification (germline): Benign/Likely benign. Review status: criteria provided, multiple submitters, no conflicts (2 of 4 stars). 7 submissions from 7 submitters: Benign (2); Likely benign (5). Last evaluated 2025-07-29.

Conditions:
Hereditary cancer-predisposing syndrome. Also called: Tumor predisposition; Hereditary neoplastic syndrome; Hereditary Cancer Syndrome; Neoplastic Syndromes, Hereditary. Identifiers: Orphanet 140162, MedGen C0027672, MeSH D009386, MONDO:0015356.
Familial adenomatous polyposis 1 (FAP1). Also called: FAMILIAL ADENOMATOUS POLYPOSIS 1, ATTENUATED; POLYPOSIS, ADENOMATOUS INTESTINAL. Identifiers: MedGen C2713442, MONDO:0021056, OMIM 175100. Disease mechanism: loss of function.

Allele frequency attached by ClinVar (database versions not stated): gnomAD exomes 0.00002; ExAC 0.00003.
gnomAD v4.1: 19 of 1,614,044 alleles (0.0012%); highest among the groups gnomAD compares: South Asian, 0.02%; no homozygotes.

Submissions (7):

Labcorp Genetics (formerly Invitae), Labcorp
Classification: Likely benign for Familial adenomatous polyposis 1. Last evaluated: 2025-07-29. Review status: criteria provided, single submitter. Criteria: Invitae Variant Classification Sherloc (09022015). Collection method: clinical testing. Allele origin: germline.

CeGaT Center for Human Genetics Tuebingen
Classification: Likely benign. Last evaluated: 2024-08-01. Review status: criteria provided, single submitter. Criteria: CeGaT Center For Human Genetics Tuebingen Variant Classification Criteria Version 2. Collection method: clinical testing. Allele origin: germline. Affected: yes. Observed: 1 variant allele.
Comment: APC: BP4, BP7

Myriad Genetics, Inc.
Classification: Benign for Familial adenomatous polyposis 1. Last evaluated: 2024-03-22. Review status: criteria provided, single submitter. Criteria: Myriad Autosomal Dominant, Autosomal Recessive and X-Linked Classification Criteria (2023). Collection method: clinical testing. Allele origin: unknown.
Comment: This variant is considered benign. This variant is a silent/synonymous amino acid change and it is not expected to impact splicing.

Quest Diagnostics Nichols Institute San Juan Capistrano
Classification: Benign. Last evaluated: 2020-08-13. Review status: criteria provided, single submitter. Criteria: Quest Diagnostics criteria. Collection method: clinical testing. Allele origin: unknown.

Ambry Genetics
Classification: Likely benign for Hereditary cancer-predisposing syndrome. Last evaluated: 2018-07-31. Review status: criteria provided, single submitter. Criteria: Ambry Variant Classification Scheme 2023. Collection method: clinical testing. Allele origin: germline.

GeneDx
Classification: Likely benign. Last evaluated: 2018-06-15. Review status: criteria provided, single submitter. Criteria: GeneDx Variant Classification (06012015). Collection method: clinical testing. Allele origin: germline. Affected: yes.
Comment: This variant is considered likely benign or benign based on one or more of the following criteria: it is a conservative change, it occurs at a poorly conserved position in the protein, it is predicted to be benign by multiple in silico algorithms, and/or has population frequency not consistent with disease.

Color Diagnostics, LLC DBA Color Health
Classification: Likely benign for Hereditary cancer-predisposing syndrome. Last evaluated: 2017-09-11. Review status: criteria provided, single submitter. Criteria: ACMG Guidelines, 2015. Collection method: clinical testing. Allele origin: germline.

NM_000038.6(APC):c.3711G>A (p.Gln1237=)

Gene: APC (APC regulator of Wnt signaling pathway; plus strand). Cytogenetic location: 5q22.2.
Variant type: single nucleotide variant.
Coding change: c.3711G>A on transcript NM_000038.6 (MANE Select); coding-DNA position 3711, G replaced by A.
Protein change: p.Gln1237=; no amino-acid change (glutamine 1237 retained).
Molecular consequence: synonymous variant.
Genome position (GRCh38, 1-based): chr5:112,839,305, G>A. VCF-style: chr5-112839305-G-A. GRCh37 (hg19) VCF-style: chr5-112175002-G-A.
Other names: c.3711G>A, p.Gln1237= (NM_001127510.3, NM_001354895.2); c.3657G>A, p.Gln1219= (NM_001127511.3); c.3765G>A, p.Gln1255= (NM_001354896.2); c.3741G>A, p.Gln1247= (NM_001354897.2); c.3636G>A, p.Gln1212= (NM_001354898.2); c.3627G>A, p.Gln1209= (NM_001354899.2); c.3588G>A, p.Gln1196= (NM_001354900.2); c.3534G>A, p.Gln1178= (NM_001354901.2); and 5 more.
Identifiers: ClinVar variation 416754 (VCV000416754.37), dbSNP rs756939805, ClinGen allele CA036344.